The following is an entry in ClinVar:

NM_001367823.1(ARHGEF18):c.2552C>G (p.Pro851Arg)

Gene: ARHGEF18 (Rho/Rac guanine nucleotide exchange factor 18; plus strand). Cytogenetic location: 19p13.2.
Variant type: single nucleotide variant.
Coding change: c.2552C>G on transcript NM_001367823.1 (MANE Select); coding-DNA position 2552, C replaced by G.
Protein change: p.Pro851Arg; replaces proline 851 with arginine.
Molecular consequence: missense variant.
Genome position (GRCh38, 1-based): chr19:7,462,251, C>G. VCF-style: chr19-7462251-C-G. GRCh37 (hg19) VCF-style: chr19-7527137-C-G.
Other names: c.1826C>G, p.Pro609Arg (NM_001130955.2); c.1514C>G, p.Pro505Arg (NM_001367824.1, NM_015318.4); short protein forms P505R, P851R, P609R.
Identifiers: ClinVar variation 1416129 (VCV001416129.7), dbSNP rs748381350, ClinGen allele CA9136897.
Genomic context (GRCh38, chr19:7,462,251, plus strand): 5'-TCCTAGAGAAACAGCAGATCTACCTGGAGATGGCCGAGATGGGCGGCCTCGAAGACCTGC[C>G]CCAGCCCCGAGGCCTATTCCGTGGAGGGGACCCATCCGAGACCCTGCAGGGGGAGCTAAT-3'
Protein context (NP_001354752.1, residues 841-861): MAEMGGLEDL[Pro851Arg]QPRGLFRGGD

ClinVar aggregate classification (germline): Uncertain significance (1 of 4 stars; one submission).

Allele frequency attached by ClinVar (database versions not stated): gnomAD exomes 0.00001 and 0.00010; TOPMed 0.00006; gnomAD 0.00007 and 0.00008; ExAC 0.00012.
gnomAD v4.1: 34 of 1,613,782 alleles (0.0021%); highest among the groups gnomAD compares: East Asian, 0.071%; 1 homozygote.

Submission:

Labcorp Genetics (formerly Invitae), Labcorp
Classification: Uncertain significance. Last evaluated: 2025-08-11. Review status: criteria provided, single submitter. Criteria: Invitae Variant Classification Sherloc (09022015). Collection method: clinical testing. Allele origin: germline.
Comment: This sequence change replaces proline, which is neutral and non-polar, with arginine, which is basic and polar, at codon 663 of the ARHGEF18 protein (p.Pro663Arg). This variant is present in population databases (rs748381350, gnomAD 0.2%). This variant has not been reported in the literature in individuals affected with ARHGEF18-related conditions. ClinVar contains an entry for this variant (Variation ID: 1416129). An algorithm developed to predict the effect of missense changes on protein structure and function (PolyPhen-2) suggests that this variant is likely to be tolerated. In summary, the available evidence is currently insufficient to determine the role of this variant in disease. Therefore, it has been classified as a Variant of Uncertain Significance.